The following is an entry in ClinVar:

ClinVar aggregate classification (germline): Pathogenic/Likely pathogenic. Review status: criteria provided, multiple submitters, no conflicts (2 of 4 stars). 2 submissions from 2 submitters: Pathogenic (1); Likely pathogenic (1). Last evaluated 2025-01-01.

Conditions:
Intellectual developmental disorder with speech delay, autism, and dysmorphic facies. Identifiers: MedGen C5231456, MONDO:0032864, OMIM 618672.

Submissions (2):

Center of Human Genetics, Hôpital Erasme
Classification: Likely pathogenic for Intellectual developmental disorder with speech delay, autism, and dysmorphic facies. Last evaluated: 2025-01-01. Review status: criteria provided, single submitter. Criteria: ACMG Guidelines, 2015. Collection method: clinical testing. Allele origin: de novo. Affected: yes.

Cytogenetique et Genetique Moleculaire, CHU Besancon
Classification: Pathogenic for Intellectual developmental disorder with speech delay, autism, and dysmorphic facies. Last evaluated: 2023-08-13. Review status: criteria provided, single submitter. Criteria: ACMG Guidelines, 2015. Collection method: clinical testing. Allele origin: germline. Affected: yes.
Comment: The NM_014516.4:c.1904+2T>C is an intronic variant in CNOT3 which is predicted to result in a alteration of consensus splice site (Spip and Splice AI), and likely results in an absent or disrupted protein product (PVS1). This variant is not present in gnomAD (PM2; v4.1.0). In summary, this variant meets criteria to be classified as pathogenic for CNOT3-related neurodevelopmental disorders based on the ACMG/AMP criteria applied (PVS1 PM2 PM6).

NM_014516.4(CNOT3):c.1904+2T>C

Gene: CNOT3 (CCR4-NOT transcription complex subunit 3; plus strand). Cytogenetic location: 19q13.42.
Variant type: single nucleotide variant.
Coding change: c.1904+2T>C on transcript NM_014516.4 (MANE Select); the canonical splice donor site of the intron after coding-DNA position 1904, T replaced by C.
Molecular consequence: splice donor variant.
Genome position (GRCh38, 1-based): chr19:54,152,628, T>C. VCF-style: chr19-54152628-T-C. GRCh37 (hg19) VCF-style: chr19-54656365-T-C.
Identifiers: ClinVar variation 3387815 (VCV003387815.2).